The following is an entry in ClinVar:

NM_001165963.4(SCN1A):c.4002+2253G>A

Genes: SCN1A (sodium voltage-gated channel alpha subunit 1; minus strand), LOC102724058 (uncharacterized LOC102724058; plus strand). Cytogenetic location: 2q24.3.
Variant type: single nucleotide variant.
Coding change: c.4002+2253G>A on transcript NM_001165963.4 (MANE Select); 2253 bases into the intron after coding-DNA position 4002, G replaced by A.
Molecular consequence: intron variant.
Genome position (GRCh38, 1-based): chr2:166,007,466, C>T on the plus strand (G>A on the coding strand, the complement: SCN1A is on the minus strand). VCF-style: chr2-166007466-C-T. GRCh37 (hg19) VCF-style: chr2-166863976-C-T.
Other names: c.3969+2253G>A (NM_001353949.2, NM_001353950.2, NM_001353951.2 and 2 more transcripts); c.3918+2253G>A (NM_001353958.2, NM_001353957.2, NM_001165964.3); c.4002+2253G>A (NM_001202435.3, NM_001353948.2); c.3966+2253G>A (NM_001353955.2, NM_001353954.2); c.3915+2253G>A (NM_001353960.2); c.1560+2253G>A (NM_001353961.2).
Identifiers: ClinVar variation 1902194 (VCV001902194.5), dbSNP rs1305976866, ClinGen allele CA429894286.

ClinVar aggregate classification (germline): Uncertain significance (1 of 4 stars; one submission).

Conditions:
Early-infantile DEE. Also called: Ohtahara syndrome; Early infantile epileptic encephalopathy; Early infantile epileptic encephalopathy with suppression bursts. Identifiers: Orphanet 1934, MedGen C0393706, MONDO:0800491.

Submission:

Labcorp Genetics (formerly Invitae), Labcorp
Classification: Uncertain significance for Early-infantile DEE. Last evaluated: 2024-05-15. Review status: criteria provided, single submitter. Criteria: Invitae Variant Classification Sherloc (09022015). Collection method: clinical testing. Allele origin: germline.
Comment: This sequence change falls in intron 20 of the SCN1A gene. It does not directly change the encoded amino acid sequence of the SCN1A protein. However, this sequence change falls within a region encompassing a cryptic exon in the SCN1A gene, in which variants have been shown to alter splicing (PMID: 30526861, 34107977). This variant is not present in population databases (gnomAD no frequency). This variant has not been reported in the literature in individuals affected with SCN1A-related conditions. ClinVar contains an entry for this variant (Variation ID: 1902194). Algorithms developed to predict the effect of sequence changes on RNA splicing suggest that this variant is not likely to affect RNA splicing. In summary, the available evidence is currently insufficient to determine the role of this variant in disease. Therefore, it has been classified as a Variant of Uncertain Significance.

Literature cited by the submitters: PubMed 30526861; PubMed 34107977.